The following is an entry in ClinVar:

NM_014712.3(SETD1A):c.1783C>G (p.Pro595Ala)

Gene: SETD1A (SET domain containing 1A, histone lysine methyltransferase; plus strand). Cytogenetic location: 16p11.2.
Variant type: single nucleotide variant.
Coding change: c.1783C>G on transcript NM_014712.3 (MANE Select); coding-DNA position 1783, C replaced by G.
Protein change: p.Pro595Ala; replaces proline 595 with alanine.
Molecular consequence: missense variant.
Genome position (GRCh38, 1-based): chr16:30,965,664, C>G. VCF-style: chr16-30965664-C-G. GRCh37 (hg19) VCF-style: chr16-30976985-C-G.
Other names: short protein forms P595A.
Identifiers: ClinVar variation 3952777 (VCV003952777.6).
Genomic context (GRCh38, chr16:30,965,664, plus strand): 5'-TCTCCATGCTCTTCTGGAGACGACATGGAGATCTCCGACGACGACCGGGGTGGCTCACCC[C>G]CTCCGGCCCCGACGCCCCCTCAGCAGCCTCCGCCACCTCCCCCTCCCCCGCCGCCTCCTC-3'
Protein context (NP_055527.1, residues 585-605): ISDDDRGGSP[Pro595Ala]PAPTPPQQPP

ClinVar aggregate classification (germline): Likely benign. Review status: criteria provided, multiple submitters, no conflicts (2 of 4 stars). 2 submissions from 2 submitters: Likely benign (2). Last evaluated 2025-12-01.

Conditions:
Inborn genetic diseases. Identifiers: MedGen C0950123, MeSH D030342.

gnomAD v4.1: 29 of 1,611,994 alleles (0.0018%); highest among the groups gnomAD compares: East Asian, 0.013%; no homozygotes.

Submissions (2):

CeGaT Center for Human Genetics Tuebingen
Classification: Likely benign. Last evaluated: 2025-12-01. Review status: criteria provided, single submitter. Criteria: CeGaT Center For Human Genetics Tuebingen Variant Classification Criteria Version 2. Collection method: clinical testing. Allele origin: germline. Affected: yes. Observed: 1 variant allele.
Comment: SETD1A: BS2

Ambry Genetics
Classification: Likely benign for Inborn genetic diseases. Last evaluated: 2025-04-08. Review status: criteria provided, single submitter. Criteria: Ambry Variant Classification Scheme 2023. Collection method: clinical testing. Allele origin: germline.